The following is an entry in ClinVar:

NM_020207.7(ERCC6L2):c.404A>G (p.Tyr135Cys)

Gene: ERCC6L2 (ERCC excision repair 6 like 2; plus strand). Cytogenetic location: 9q22.32.
Variant type: single nucleotide variant.
Coding change: c.404A>G on transcript NM_020207.7 (MANE Select); coding-DNA position 404, A replaced by G.
Protein change: p.Tyr135Cys; replaces tyrosine 135 with cysteine.
Molecular consequence: missense variant. On other transcripts: non-coding transcript variant (1).
Genome position (GRCh38, 1-based): chr9:95,881,226, A>G. VCF-style: chr9-95881226-A-G. GRCh37 (hg19) VCF-style: chr9-98643508-A-G.
Other names: c.404A>G, p.Tyr135Cys (NM_001010895.4, NM_001375291.1, NM_001375292.1 and 2 more transcripts); short protein forms Y135C.
Identifiers: ClinVar variation 1388014 (VCV001388014.9), dbSNP rs1827574436, ClinGen allele CA374117712.

ClinVar aggregate classification (germline): Uncertain significance. Review status: criteria provided, multiple submitters, no conflicts (2 of 4 stars). 2 submissions from 2 submitters: Uncertain significance (2). Last evaluated 2025-12-02.

Conditions:
Inborn genetic diseases. Identifiers: MedGen C0950123, MeSH D030342.

Allele frequency attached by ClinVar (database versions not stated): gnomAD 0.00001.
gnomAD v4.1: 1 of 1,603,844 alleles (0.000062%); highest among the groups gnomAD compares: Non-Finnish European, 0.000085%; no homozygotes.

Submissions (2):

Ambry Genetics
Classification: Uncertain significance for Inborn genetic diseases. Last evaluated: 2025-12-02. Review status: criteria provided, single submitter. Criteria: Ambry Variant Classification Scheme 2023. Collection method: clinical testing. Allele origin: germline.
Comment: The p.Y135C variant (also known as c.404A>G), located in coding exon 2 of the ERCC6L2 gene, results from an A to G substitution at nucleotide position 404. The tyrosine at codon 135 is replaced by cysteine, an amino acid with highly dissimilar properties. This amino acid position is conserved. In addition, this alteration is predicted to be deleterious by in silico analysis. Based on the available evidence, the clinical significance of this variant remains unclear.

Labcorp Genetics (formerly Invitae), Labcorp
Classification: Uncertain significance. Last evaluated: 2023-08-10. Review status: criteria provided, single submitter. Criteria: Invitae Variant Classification Sherloc (09022015). Collection method: clinical testing. Allele origin: germline.
Comment: In summary, the available evidence is currently insufficient to determine the role of this variant in disease. Therefore, it has been classified as a Variant of Uncertain Significance. Experimental studies and prediction algorithms are not available or were not evaluated, and the functional significance of this variant is currently unknown. ClinVar contains an entry for this variant (Variation ID: 1388014). This variant has not been reported in the literature in individuals affected with ERCC6L2-related conditions. This variant is not present in population databases (gnomAD no frequency). This sequence change replaces tyrosine, which is neutral and polar, with cysteine, which is neutral and slightly polar, at codon 146 of the ERCC6L2 protein (p.Tyr146Cys).